The following is an entry in ClinVar:

ClinVar aggregate classification (germline): Uncertain significance (1 of 4 stars; one submission).

Submission:

Labcorp Genetics (formerly Invitae), Labcorp
Classification: Uncertain significance. Last evaluated: 2023-12-19. Review status: criteria provided, single submitter. Criteria: Invitae Variant Classification Sherloc (09022015). Collection method: clinical testing. Allele origin: germline.
Comment: This sequence change affects the initiator methionine of the SPPL2A mRNA. The next in-frame methionine is located at codon 43. This variant is not present in population databases (gnomAD no frequency). This variant has not been reported in the literature in individuals affected with SPPL2A-related conditions. In summary, the available evidence is currently insufficient to determine the role of this variant in disease. Therefore, it has been classified as a Variant of Uncertain Significance.

NM_032802.4(SPPL2A):c.3G>A (p.Met1Ile)

Genes: SPPL2A (signal peptide peptidase like 2A; minus strand), LOC130057047 (ATAC-STARR-seq lymphoblastoid silent region 6430; plus strand). Cytogenetic location: 15q21.2.
Variant type: single nucleotide variant.
Coding change: c.3G>A on transcript NM_032802.4 (MANE Select); coding-DNA position 3, G replaced by A.
Protein change: p.Met1Ile; changes the start codon (methionine 1).
Molecular consequence: missense variant, initiator codon variant.
Genome position (GRCh38, 1-based): chr15:50,765,531, C>T on the plus strand (G>A on the coding strand, the complement: SPPL2A is on the minus strand). VCF-style: chr15-50765531-C-T. GRCh37 (hg19) VCF-style: chr15-51057728-C-T.
Other names: short protein forms M1I.
Identifiers: ClinVar variation 2830821 (VCV002830821.3), dbSNP rs989615227, ClinGen allele CA392462458.